The following is an entry in ClinVar:

NM_018139.3(DNAAF2):c.1983T>A (p.Asp661Glu)

Gene: DNAAF2 (dynein axonemal assembly factor 2; minus strand). Cytogenetic location: 14q21.3.
Variant type: single nucleotide variant.
Coding change: c.1983T>A on transcript NM_018139.3 (MANE Select); coding-DNA position 1983, T replaced by A.
Protein change: p.Asp661Glu; replaces aspartic acid 661 with glutamic acid.
Molecular consequence: missense variant. On other transcripts: intron variant (2).
Genome position (GRCh38, 1-based): chr14:49,628,036, A>T on the plus strand (T>A on the coding strand, the complement: DNAAF2 is on the minus strand). VCF-style: chr14-49628036-A-T. GRCh37 (hg19) VCF-style: chr14-50094754-A-T.
Other names: c.1983T>A (NM_018139.2); c.1864-1988T>A (NM_001083908.2); c.-204-1988T>A (NM_001378453.1); short protein forms D661E.
Identifiers: ClinVar variation 1448671 (VCV001448671.15), dbSNP rs758897357, ClinGen allele CA7172782.

ClinVar aggregate classification (germline): Uncertain significance. Review status: criteria provided, multiple submitters, no conflicts (2 of 4 stars). 2 submissions from 2 submitters: Uncertain significance (2). Last evaluated 2025-04-22.

Conditions:
Primary ciliary dyskinesia. Also called: Ciliary dyskinesia. Identifiers: Orphanet 244, MedGen C0008780, MONDO:0016575, HP:0012265.

Allele frequency attached by ClinVar (database versions not stated): gnomAD 0.00004; TOPMed 0.00007; gnomAD exomes 0.00001; ExAC 0.00003.

Submissions (2):

Ambry Genetics
Classification: Uncertain significance for Primary ciliary dyskinesia. Last evaluated: 2025-04-22. Review status: criteria provided, single submitter. Criteria: Ambry Variant Classification Scheme 2023. Collection method: clinical testing. Allele origin: germline.
Comment: The p.D661E variant (also known as c.1983T>A), located in coding exon 2 of the DNAAF2 gene, results from a T to A substitution at nucleotide position 1983. The aspartic acid at codon 661 is replaced by glutamic acid, an amino acid with highly similar properties. This amino acid position is conserved. In addition, this alteration is predicted to be tolerated by in silico analysis. Based on the available evidence, the clinical significance of this variant remains unclear.

Labcorp Genetics (formerly Invitae), Labcorp
Classification: Uncertain significance for Primary ciliary dyskinesia. Last evaluated: 2024-04-25. Review status: criteria provided, single submitter. Criteria: Invitae Variant Classification Sherloc (09022015). Collection method: clinical testing. Allele origin: germline.
Comment: This sequence change replaces aspartic acid, which is acidic and polar, with glutamic acid, which is acidic and polar, at codon 661 of the DNAAF2 protein (p.Asp661Glu). This variant is present in population databases (rs758897357, gnomAD 0.004%). This variant has not been reported in the literature in individuals affected with DNAAF2-related conditions. ClinVar contains an entry for this variant (Variation ID: 1448671). Advanced modeling of protein sequence and biophysical properties (such as structural, functional, and spatial information, amino acid conservation, physicochemical variation, residue mobility, and thermodynamic stability) performed at Invitae indicates that this missense variant is not expected to disrupt DNAAF2 protein function with a negative predictive value of 80%. In summary, the available evidence is currently insufficient to determine the role of this variant in disease. Therefore, it has been classified as a Variant of Uncertain Significance.